The following is an entry in ClinVar:

NM_001429.4(EP300):c.6380A>G (p.Asn2127Ser)

Gene: EP300 (E1A binding protein p300; plus strand). Cytogenetic location: 22q13.2.
Variant type: single nucleotide variant.
Coding change: c.6380A>G on transcript NM_001429.4 (MANE Select); coding-DNA position 6380, A replaced by G.
Protein change: p.Asn2127Ser; replaces asparagine 2127 with serine.
Molecular consequence: missense variant.
Genome position (GRCh38, 1-based): chr22:41,178,091, A>G. VCF-style: chr22-41178091-A-G. GRCh37 (hg19) VCF-style: chr22-41574095-A-G.
Other names: c.6302A>G, p.Asn2101Ser (NM_001362843.2); short protein forms N2101S, N2127S.
Identifiers: ClinVar variation 3351485 (VCV003351485.1).

ClinVar aggregate classification (germline): Uncertain significance (0 of 4 stars; one submission).

Conditions:
EP300-related disorder. Also called: EP300-related disorders; EP300-related condition.

gnomAD v4.1: 4 of 1,613,896 alleles (0.00025%); highest among the groups gnomAD compares: South Asian, 0.0011%; no homozygotes.

Submission:

PreventionGenetics, part of Exact Sciences
Classification: Uncertain significance for EP300-related condition. Last evaluated: 2024-07-05. Review status: no assertion criteria provided. Collection method: clinical testing. Allele origin: germline.
Comment: The EP300 c.6380A>G variant is predicted to result in the amino acid substitution p.Asn2127Ser. To our knowledge, this variant has not been reported in the literature. This variant is reported in 0.0018% of alleles in individuals of European (Non-Finnish) descent in gnomAD. At this time, the clinical significance of this variant is uncertain due to the absence of conclusive functional and genetic evidence.